The following is an entry in ClinVar:

ClinVar aggregate classification (germline): Uncertain significance (1 of 4 stars; one submission).

gnomAD v4.1: 4 of 1,613,012 alleles (0.00025%); highest among the groups gnomAD compares: African/African-American, 0.004%; no homozygotes.

Submission:

Labcorp Genetics (formerly Invitae), Labcorp
Classification: Uncertain significance. Last evaluated: 2022-09-01. Review status: criteria provided, single submitter. Criteria: Invitae Variant Classification Sherloc (09022015). Collection method: clinical testing. Allele origin: germline.
Comment: In summary, the available evidence is currently insufficient to determine the role of this variant in disease. Therefore, it has been classified as a Variant of Uncertain Significance. Advanced modeling of protein sequence and biophysical properties (such as structural, functional, and spatial information, amino acid conservation, physicochemical variation, residue mobility, and thermodynamic stability) performed at Invitae indicates that this missense variant is not expected to disrupt WFS1 protein function. This variant has not been reported in the literature in individuals affected with WFS1-related conditions. This variant is present in population databases (no rsID available, gnomAD 0.007%). This sequence change replaces isoleucine, which is neutral and non-polar, with leucine, which is neutral and non-polar, at codon 561 of the WFS1 protein (p.Ile561Leu).

NM_006005.3(WFS1):c.1681A>C (p.Ile561Leu)

Gene: WFS1 (wolframin ER transmembrane glycoprotein; plus strand). Cytogenetic location: 4p16.1.
Variant type: single nucleotide variant.
Coding change: c.1681A>C on transcript NM_006005.3 (MANE Select); coding-DNA position 1681, A replaced by C.
Protein change: p.Ile561Leu; replaces isoleucine 561 with leucine.
Molecular consequence: missense variant.
Genome position (GRCh38, 1-based): chr4:6,301,476, A>C. VCF-style: chr4-6301476-A-C. GRCh37 (hg19) VCF-style: chr4-6303203-A-C.
Other names: c.1681A>C, p.Ile561Leu (NM_001145853.1); short protein forms I561L.
Identifiers: ClinVar variation 2164677 (VCV002164677.4), dbSNP rs766673431, ClinGen allele CA91796459.